The following is an entry in ClinVar:

ClinVar aggregate classification (germline): Uncertain significance (1 of 4 stars; one submission).

Submission:

Labcorp Genetics (formerly Invitae), Labcorp
Classification: Uncertain significance. Last evaluated: 2025-01-27. Review status: criteria provided, single submitter. Criteria: Invitae Variant Classification Sherloc (09022015). Collection method: clinical testing. Allele origin: germline.
Comment: This sequence change falls in intron 16 of the COL9A2 gene. It does not directly change the encoded amino acid sequence of the COL9A2 protein. It affects a nucleotide within the consensus splice site. This variant is not present in population databases (gnomAD no frequency). This variant has not been reported in the literature in individuals affected with COL9A2-related conditions. Variants that disrupt the consensus splice site are a relatively common cause of aberrant splicing (PMID: 17576681, 9536098). Algorithms developed to predict the effect of sequence changes on RNA splicing suggest that this variant may disrupt the consensus splice site. In summary, the available evidence is currently insufficient to determine the role of this variant in disease. Therefore, it has been classified as a Variant of Uncertain Significance.

Literature cited by the submitters: PubMed 17576681; PubMed 9536098.

NM_001852.4(COL9A2):c.846+4A>G

Gene: COL9A2 (collagen type IX alpha 2 chain; minus strand). Cytogenetic location: 1p34.2.
Variant type: single nucleotide variant.
Coding change: c.846+4A>G on transcript NM_001852.4 (MANE Select); 4 bases into the intron after coding-DNA position 846, A replaced by G.
Molecular consequence: intron variant.
Genome position (GRCh38, 1-based): chr1:40,309,934, T>C on the plus strand (A>G on the coding strand, the complement: COL9A2 is on the minus strand). VCF-style: chr1-40309934-T-C. GRCh37 (hg19) VCF-style: chr1-40775606-T-C.
Identifiers: ClinVar variation 3729649 (VCV003729649.2).